The following is an entry in ClinVar:

ClinVar aggregate classification (germline): Uncertain significance. Review status: criteria provided, multiple submitters, no conflicts (2 of 4 stars). 2 submissions from 2 submitters: Uncertain significance (2). Last evaluated 2020-04-07.

Allele frequency attached by ClinVar (database versions not stated): gnomAD exomes 0.00001; gnomAD 0.00001.
gnomAD v4.1: 27 of 1,550,610 alleles (0.0017%); highest among the groups gnomAD compares: Non-Finnish European, 0.0022%; no homozygotes.

Submissions (2):

GeneDx
Classification: Uncertain significance. Last evaluated: 2020-04-07. Review status: criteria provided, single submitter. Criteria: GeneDx Variant Classification Process June 2021. Collection method: clinical testing. Allele origin: germline. Affected: yes.
Comment: Not observed at a significant frequency in large population cohorts (Lek et al., 2016); In silico analysis, which includes protein predictors and evolutionary conservation, supports that this variant does not alter protein structure/function; Has not been previously published as pathogenic or benign to our knowledge

Laboratory for Molecular Medicine, Mass General Brigham Personalized Medicine
Classification: Uncertain significance. Last evaluated: 2016-07-07. Review status: criteria provided, single submitter. Criteria: LMM Criteria. Collection method: clinical testing. Allele origin: germline. Observed: 1 variant allele.
Comment: The p.Ser974Leu variant in OTOG has not been previously reported in individuals with hearing loss and data from large population studies are insufficient to ass ess the frequency of this variant in the general population. Computational predi ction tools and conservation analyses do not provide strong support for or again st an impact to the protein. In summary, the clinical significance of the p.Ser9 74Leu variant is uncertain.

NM_001292063.2(OTOG):c.2885C>T (p.Ser962Leu)

Gene: OTOG (otogelin; plus strand). Cytogenetic location: 11p15.1.
Variant type: single nucleotide variant.
Coding change: c.2885C>T on transcript NM_001292063.2 (MANE Select); coding-DNA position 2885, C replaced by T.
Protein change: p.Ser962Leu; replaces serine 962 with leucine.
Molecular consequence: missense variant.
Genome position (GRCh38, 1-based): chr11:17,591,467, C>T. VCF-style: chr11-17591467-C-T. GRCh37 (hg19) VCF-style: chr11-17613014-C-T.
Other names: c.2921C>T, p.Ser974Leu (NM_001277269.2); short protein forms S974L, S962L.
Identifiers: ClinVar variation 505206 (VCV000505206.8), dbSNP rs750521452, ClinGen allele CA218459238.
Genomic context (GRCh38, chr11:17,591,467, plus strand): 5'-GGTGGGTGTGCCCTGTGATCTGGTCTGGGCATGTGTTTTTCAGTGTGTGCCAGCGGGGCT[C>T]ATTCCAGTGCACCCTGCACCCTTGCGCCTCCACCTGCACTGCCTATGGGGACCGGCATTA-3'
Protein context (NP_001278992.1, residues 952-972): PCHTCVCQRG[Ser962Leu]FQCTLHPCAS